The following is an entry in ClinVar:

NM_018451.5(CPAP):c.3309dup (p.Pro1104fs)

Genes: CPAP (centrosome assembly and centriole elongation protein; minus strand), RNF17 (ring finger protein 17; plus strand). Cytogenetic location: 13q12.12.
Variant type: Duplication.
Coding change: c.3309dup on transcript NM_018451.5 (MANE Select); coding-DNA position 3309, one base duplicated (A; older notation c.3309dupA).
Protein change: p.Pro1104fs; shifts the reading frame from proline 1104.
Molecular consequence: frameshift variant. On other transcripts: non-coding transcript variant (2).
Genome position (GRCh38, 1-based): chr13:24,885,663, T duplicated on the plus strand (A on the coding strand, the reverse complement: CPAP is on the minus strand). VCF-style (leftmost placement, unchanged base first): chr13-24885662-G-GT. GRCh37 (hg19) VCF-style: chr13-25459800-G-GT.
Other names: c.3309dupA (NM_018451.5); short protein forms P1104fs.
Identifiers: ClinVar variation 430189 (VCV000430189.5), dbSNP rs1131691823, ClinGen allele CA645369603.

ClinVar aggregate classification (germline): Pathogenic. Review status: criteria provided, multiple submitters, no conflicts (2 of 4 stars). 3 submissions from 3 submitters: Pathogenic (3). Last evaluated 2017-05-18.

Conditions:
Seckel syndrome 4 (SCKL4). Identifiers: Orphanet 808, MedGen C3888212, MONDO:0013358, OMIM 613676.

Submissions (3):

GeneDx
Classification: Pathogenic. Last evaluated: 2017-05-18. Review status: criteria provided, single submitter. Criteria: GeneDx Variant Classification (06012015). Collection method: clinical testing. Allele origin: germline. Affected: yes.
Comment: The c.3309dupA variant in the CENPJ gene has not been reported previously as a pathogenic variant nor as a benign variant, to our knowledge. The c.3309dupA variant causes a frameshift starting with codon Proline 1104, changes this amino acid to a Threonine residue, and creates a premature Stop codon at position 11 of the new reading frame, denoted p.Pro1104ThrfsX11. This variant is predicted to cause loss of normal protein function either through protein truncation or nonsense-mediated mRNA decay. The c.3309dupA variant is not observed in large population cohorts (Lek et al., 2016; 1000 Genomes Consortium et al., 2015; Exome Variant Server). We interpret c.3309dupA as a pathogenic variant.

Diagnostics Division, CENTRE FOR DNA FINGERPRINTING AND DIAGNOSTICS
Classification: Pathogenic for Seckel syndrome 4. Review status: criteria provided, single submitter. Criteria: ACMG Guidelines, 2015. Collection method: research. Allele origin: germline. Inheritance: Autosomal recessive inheritance. Affected: yes. Observed: 1 homozygote.

Neuberg Centre For Genomic Medicine, NCGM
Classification: Pathogenic for Seckel syndrome 4. Review status: criteria provided, single submitter. Criteria: ACMG Guidelines, 2015. Collection method: clinical testing. Allele origin: germline. Inheritance: Autosomal recessive inheritance. Affected: yes.
Comment: The frameshift variant c.3309dup (p.Pro1104ThrfsTer11) in CENPJ gene has not been reported previously as a pathogenic variant nor as a benign variant, to our knowledge. This variant has been reported to the ClinVar database as Pathogenic. The p.Pro1104ThrfsTer11 variant is novel (not in any individuals) in gnomAD Exomes and 1000 Genomes. This variant causes a frameshift starting with codon Proline 1104, changes this amino acid to Threonine residue, and creates a premature Stop codon at position 11 of the new reading frame, denoted p.Pro1104ThrfsTer11. This variant is predicted to cause loss of normal protein function either through protein truncation or nonsense-mediated mRNA decay. Loss of function variants have been previously reported to be disease causing. For these reasons, this variant has been classified as Pathogenic